The following is an entry in ClinVar:

NM_002499.4(NEO1):c.1719A>G (p.Lys573=)

Gene: NEO1 (neogenin 1; plus strand). Cytogenetic location: 15q24.1.
Variant type: single nucleotide variant.
Coding change: c.1719A>G on transcript NM_002499.4 (MANE Select); coding-DNA position 1719, A replaced by G.
Protein change: p.Lys573=; no amino-acid change (lysine 573 retained).
Molecular consequence: synonymous variant.
Genome position (GRCh38, 1-based): chr15:73,249,172, A>G. VCF-style: chr15-73249172-A-G. GRCh37 (hg19) VCF-style: chr15-73541513-A-G.
Other names: c.1719A>G, p.Lys573= (NM_001172623.2, NM_001172624.2); c.1779A>G, p.Lys593= (NM_001419531.1).
Identifiers: ClinVar variation 3060542 (VCV003060542.2), dbSNP rs3736510, ClinGen allele CA7647975.
Genomic context (GRCh38, chr15:73,249,172, plus strand): 5'-CTCCATCACTGTTACGTGGGAAACACCAGTGTCTGGCAATGGGGAAATTCAGAATTATAA[A>G]TTGTACTACATGGAAAAGGGGACTGATAAAGAACAGGTATGAAGTGAAGCAACTTTTCAA-3'
Protein context (NP_002490.2, residues 563-583): VSGNGEIQNY[Lys573=]LYYMEKGTDK

ClinVar aggregate classification (germline): Benign (0 of 4 stars; one submission).

Conditions:
NEO1-related disorder. Also called: NEO1-related condition.

Allele frequency attached by ClinVar (database versions not stated): 1000 Genomes Project 30x 0.34744; 1000 Genomes Project 0.35044; TOPMed 0.39545; ESP Exome Variant Server 0.39654; ExAC 0.45107.
gnomAD v4.1: 771,621 of 1,613,148 alleles (48%); highest among the groups gnomAD compares: Admixed American, 54%; 190,211 homozygotes.

Submission:

PreventionGenetics, part of Exact Sciences
Classification: Benign for NEO1-related condition. Last evaluated: 2019-10-17. Review status: no assertion criteria provided. Collection method: clinical testing. Allele origin: germline.
Comment: This variant is classified as benign based on ACMG/AMP sequence variant interpretation guidelines (Richards et al. 2015 PMID: 25741868, with internal and published modifications).